The following is an entry in ClinVar:

NM_001080449.3(DNA2):c.1041C>T (p.Asn347=)

Gene: DNA2 (DNA replication helicase/nuclease 2; minus strand). Cytogenetic location: 10q21.3.
Variant type: single nucleotide variant.
Coding change: c.1041C>T on transcript NM_001080449.3 (MANE Select); coding-DNA position 1041, C replaced by T.
Protein change: p.Asn347=; no amino-acid change (asparagine 347 retained).
Molecular consequence: synonymous variant. On other transcripts: non-coding transcript variant (1).
Genome position (GRCh38, 1-based): chr10:68,446,312, G>A on the plus strand (C>T on the coding strand, the complement: DNA2 is on the minus strand). VCF-style: chr10-68446312-G-A. GRCh37 (hg19) VCF-style: chr10-70206069-G-A.
Identifiers: ClinVar variation 2640530 (VCV002640530.24), dbSNP rs2133405324, ClinGen allele CA469808807.

ClinVar aggregate classification (germline): Likely benign (1 of 4 stars; one submission).

Submission:

CeGaT Center for Human Genetics Tuebingen
Classification: Likely benign. Last evaluated: 2022-03-01. Review status: criteria provided, single submitter. Criteria: CeGaT Center For Human Genetics Tuebingen Variant Classification Criteria Version 2. Collection method: clinical testing. Allele origin: germline. Affected: yes. Observed: 1 variant allele.
Comment: DNA2: BP4, BP7